The following is an entry in ClinVar:

ClinVar aggregate classification (germline): Uncertain significance (1 of 4 stars; one submission).

Submission:

Ambry Genetics
Classification: Uncertain significance. Last evaluated: 2025-04-11. Review status: criteria provided, single submitter. Criteria: Ambry Variant Classification Scheme 2023. Collection method: clinical testing. Allele origin: germline.
Comment: The p.S489N variant (also known as c.1466G>A), located in coding exon 8 of the ATRIP gene, results from a G to A substitution at nucleotide position 1466. The serine at codon 489 is replaced by asparagine, an amino acid with highly similar properties. This amino acid position is conserved. In addition, the in silico prediction for this alteration is inconclusive. Based on the available evidence, the clinical significance of this variant remains unclear.

NM_130384.3(ATRIP):c.1466G>A (p.Ser489Asn)

Genes: ATRIP (ATR interacting protein; plus strand), ATRIP-TREX1 (ATRIP-TREX1 readthrough; plus strand). Cytogenetic location: 3p21.31.
Variant type: single nucleotide variant.
Coding change: c.1466G>A on transcript NM_130384.3 (MANE Select); coding-DNA position 1466, G replaced by A.
Protein change: p.Ser489Asn; replaces serine 489 with asparagine.
Molecular consequence: missense variant. On other transcripts: non-coding transcript variant (1).
Genome position (GRCh38, 1-based): chr3:48,460,520, G>A. VCF-style: chr3-48460520-G-A. GRCh37 (hg19) VCF-style: chr3-48501919-G-A.
Other names: c.1085G>A, p.Ser362Asn (NM_001271022.2); c.1187G>A, p.Ser396Asn (NM_001271023.2); c.1466G>A, p.Ser489Asn (NM_032166.4); short protein forms S396N, S489N, S362N.
Identifiers: ClinVar variation 3976040 (VCV003976040.1).